The following is an entry in ClinVar:

ClinVar aggregate classification (germline): Benign (0 of 4 stars; one submission).

Conditions:
JMJD7-PLA2G4B-related disorder. Also called: JMJD7-PLA2G4B-related condition.

Allele frequency attached by ClinVar (database versions not stated): ExAC 0.00109; ESP Exome Variant Server 0.00338; gnomAD 0.00375; 1000 Genomes Project 0.00459; 1000 Genomes Project 30x 0.00500.
gnomAD v4.1: 1,176 of 1,604,414 alleles (0.073%); highest among the groups gnomAD compares: African/African-American, 1.3%; 3 homozygotes.

Submission:

PreventionGenetics, part of Exact Sciences
Classification: Benign for JMJD7-PLA2G4B-related condition. Last evaluated: 2019-05-07. Review status: no assertion criteria provided. Collection method: clinical testing. Allele origin: germline.
Comment: This variant is classified as benign based on ACMG/AMP sequence variant interpretation guidelines (Richards et al. 2015 PMID: 25741868, with internal and published modifications).

NM_005090.4(JMJD7-PLA2G4B):c.2466A>C (p.Thr822=)

Genes: JMJD7-PLA2G4B (JMJD7-PLA2G4B readthrough; plus strand), PLA2G4B (phospholipase A2 group IVB; plus strand). Cytogenetic location: 15q15.1.
Variant type: single nucleotide variant.
Coding change: c.2466A>C on transcript NM_005090.4; coding-DNA position 2466, A replaced by C.
Protein change: p.Thr822=; no amino-acid change (threonine 822 retained).
Molecular consequence: synonymous variant.
Genome position (GRCh38, 1-based): chr15:41,846,375, A>C. VCF-style: chr15-41846375-A-C. GRCh37 (hg19) VCF-style: chr15-42138573-A-C.
Other names: c.1773A>C, p.Thr591= (NM_001114633.2); c.2466A>C, p.Thr822= (NM_001198588.2).
Identifiers: ClinVar variation 3055788 (VCV003055788.2), dbSNP rs61735400, ClinGen allele CA7500253.